The following is an entry in ClinVar:

ClinVar aggregate classification (germline): Uncertain significance (1 of 4 stars; one submission).

Conditions:
Norman-Roberts syndrome (LIS2). Also called: Lissencephaly 2 (Norman-Roberts type). Identifiers: Orphanet 89844, MedGen C0796089, MONDO:0009760, OMIM 257320.
Familial temporal lobe epilepsy 7. Identifiers: Orphanet 101046, MedGen C4225327, MONDO:0014639, OMIM 616436.

Submission:

Labcorp Genetics (formerly Invitae), Labcorp
Classification: Uncertain significance for Familial temporal lobe epilepsy 7; Norman-Roberts syndrome. Last evaluated: 2023-12-13. Review status: criteria provided, single submitter. Criteria: Invitae Variant Classification Sherloc (09022015). Collection method: clinical testing. Allele origin: germline.
Comment: This sequence change replaces valine, which is neutral and non-polar, with leucine, which is neutral and non-polar, at codon 2832 of the RELN protein (p.Val2832Leu). This variant is not present in population databases (gnomAD no frequency). This variant has not been reported in the literature in individuals affected with RELN-related conditions. Advanced modeling of protein sequence and biophysical properties (such as structural, functional, and spatial information, amino acid conservation, physicochemical variation, residue mobility, and thermodynamic stability) performed at Invitae indicates that this missense variant is not expected to disrupt RELN protein function with a negative predictive value of 80%. In summary, the available evidence is currently insufficient to determine the role of this variant in disease. Therefore, it has been classified as a Variant of Uncertain Significance.

NM_005045.4(RELN):c.8494G>C (p.Val2832Leu)

Genes: SLC26A5-AS1 (SLC26A5 antisense RNA 1; plus strand), RELN (reelin; minus strand). Cytogenetic location: 7q22.1.
Variant type: single nucleotide variant.
Coding change: c.8494G>C on transcript NM_005045.4 (MANE Select); coding-DNA position 8494, G replaced by C.
Protein change: p.Val2832Leu; replaces valine 2832 with leucine.
Molecular consequence: missense variant.
Genome position (GRCh38, 1-based): chr7:103,500,918, C>G on the plus strand (G>C on the coding strand, the complement: RELN is on the minus strand). VCF-style: chr7-103500918-C-G. GRCh37 (hg19) VCF-style: chr7-103141365-C-G.
Other names: c.8494G>C, p.Val2832Leu (NM_173054.3); short protein forms V2832L.
Identifiers: ClinVar variation 2921375 (VCV002921375.3), dbSNP rs2484709979, ClinGen allele CA368756248.